The following is an entry in ClinVar:

ClinVar aggregate classification (germline): Pathogenic (1 of 4 stars; one submission).

Conditions:
Nephronophthisis. Also called: Juvenile Nephronophthisis. Identifiers: Orphanet 655, MedGen C0687120, MONDO:0019005, HP:0000090.

Submission:

Labcorp Genetics (formerly Invitae), Labcorp
Classification: Pathogenic for Nephronophthisis. Last evaluated: 2021-11-01. Review status: criteria provided, single submitter. Criteria: Invitae Variant Classification Sherloc (09022015). Collection method: clinical testing. Allele origin: germline.
Comment: This variant has not been reported in the literature in individuals affected with NPHP1-related conditions. This sequence change creates a premature translational stop signal (p.Asp369Metfs*16) in the NPHP1 gene. It is expected to result in an absent or disrupted protein product. Loss-of-function variants in NPHP1 are known to be pathogenic (PMID: 23559409). This variant is not present in population databases (gnomAD no frequency). For these reasons, this variant has been classified as Pathogenic.

Literature cited by the submitters: PubMed 23559409.

NM_001128178.3(NPHP1):c.937del (p.Asp313fs)

Gene: NPHP1 (nephrocystin 1; minus strand). Cytogenetic location: 2q13.
Variant type: Deletion.
Coding change: c.937del on transcript NM_001128178.3 (MANE Select); coding-DNA position 937, one base deleted (G; older notation c.937delG).
Protein change: p.Asp313fs; shifts the reading frame from aspartic acid 313.
Molecular consequence: frameshift variant.
Genome position (GRCh38, 1-based): chr2:110,161,620, C deleted on the plus strand (G on the coding strand, the reverse complement: NPHP1 is on the minus strand); the first of 3 consecutive C bases (chr2:110,161,620-110,161,622); deleting any one gives the same sequence. VCF-style (leftmost placement, unchanged base first): chr2-110161619-TC-T. GRCh37 (hg19) VCF-style: chr2-110919196-TC-T.
Other names: c.937del, p.Asp313fs (NM_001374257.1); c.1102del, p.Asp368fs (NM_207181.4); c.1105del, p.Asp369fs (NM_000272.5); c.748del, p.Asp250fs (NM_001128179.3); c.934del, p.Asp312fs (NM_001374256.1); short protein forms D312fs, D313fs, D369fs, D250fs, D368fs.
Identifiers: ClinVar variation 1437615 (VCV001437615.6), dbSNP rs2104548314, ClinGen allele CA2573133014.
Genomic context (GRCh38, chr2:110,161,619, plus strand): 5'-AAATCTGGAAGAGTTACACTTTTACTGATAGTAACTATACTTACAGTGCCTTCTGTAGCA[TC>T]CCACATCAGATCTCTGAAGGCCAGTTGTGAAGGCATGAGCTCTGGTTGTAAGAAGTAATT-3'